The following is an entry in ClinVar:

NM_000937.5(POLR2A):c.5605C>T (p.Pro1869Ser)

Gene: POLR2A (RNA polymerase II subunit A; plus strand). Cytogenetic location: 17p13.1.
Variant type: single nucleotide variant.
Coding change: c.5605C>T on transcript NM_000937.5 (MANE Select); coding-DNA position 5605, C replaced by T.
Protein change: p.Pro1869Ser; replaces proline 1869 with serine.
Molecular consequence: missense variant.
Genome position (GRCh38, 1-based): chr17:7,513,871, C>T. VCF-style: chr17-7513871-C-T. GRCh37 (hg19) VCF-style: chr17-7417188-C-T.
Other names: short protein forms P1869S.
Identifiers: ClinVar variation 4070627 (VCV004070627.1).
Genomic context (GRCh38, chr17:7,513,871, plus strand): 5'-AGCTCCCCAGAGTATACCCCAACCTCTCCCAAGTACTCACCTACCAGTCCCAAATATTCA[C>T]CCACCTCTCCCAAGTACTCGCCTACCAGTCCCACCTATTCACCCACCACCCCAAAATACT-3'
Protein context (NP_000928.1, residues 1859-1879): KYSPTSPKYS[Pro1869Ser]TSPKYSPTSP

ClinVar aggregate classification (germline): Uncertain significance (1 of 4 stars; one submission).

Submission:

GeneDx
Classification: Uncertain significance. Last evaluated: 2025-01-21. Review status: criteria provided, single submitter. Criteria: GeneDx Variant Classification Process June 2021. Collection method: clinical testing. Allele origin: germline. Affected: yes.
Comment: In silico analysis supports that this missense variant has a deleterious effect on protein structure/function; Has not been previously published as pathogenic or benign to our knowledge